The following is an entry in ClinVar:

ClinVar aggregate classification (germline): Pathogenic (1 of 4 stars; one submission).

Conditions:
Early-infantile DEE. Also called: Ohtahara syndrome; Early infantile epileptic encephalopathy with suppression bursts; Early infantile epileptic encephalopathy. Identifiers: Orphanet 1934, MedGen C0393706, MONDO:0800491.

Submission:

Labcorp Genetics (formerly Invitae), Labcorp
Classification: Pathogenic for Early-infantile DEE. Last evaluated: 2020-01-28. Review status: criteria provided, single submitter. Criteria: Invitae Variant Classification Sherloc (09022015). Collection method: clinical testing. Allele origin: germline.
Comment: For these reasons, this variant has been classified as Pathogenic. Loss-of-function variants in SCN1A are known to be pathogenic (PMID: 17347258, 18930999). Algorithms developed to predict the effect of sequence changes on RNA splicing suggest that this variant may create or strengthen a splice site, but this prediction has not been confirmed by published transcriptional studies. This variant has not been reported in the literature in individuals with SCN1A-related conditions. This variant is not present in population databases (ExAC no frequency). This sequence change creates a premature translational stop signal (p.Tyr739*) in the SCN1A gene. It is expected to result in an absent or disrupted protein product.

Literature cited by the submitters: PubMed 17347258; PubMed 18930999.

NM_001165963.4(SCN1A):c.2217T>G (p.Tyr739Ter)

Gene: SCN1A (sodium voltage-gated channel alpha subunit 1; minus strand). Cytogenetic location: 2q24.3.
Variant type: single nucleotide variant.
Coding change: c.2217T>G on transcript NM_001165963.4 (MANE Select); coding-DNA position 2217, T replaced by G.
Protein change: p.Tyr739Ter; replaces tyrosine 739 with a stop codon.
Molecular consequence: nonsense. On other transcripts: 5 prime UTR variant (1), non-coding transcript variant (1).
Genome position (GRCh38, 1-based): chr2:166,041,429, A>C on the plus strand (T>G on the coding strand, the complement: SCN1A is on the minus strand). VCF-style: chr2-166041429-A-C. GRCh37 (hg19) VCF-style: chr2-166897939-A-C.
Other names: c.2133T>G, p.Tyr711Ter (NM_001165964.3, NM_001353957.2, NM_001353958.2); c.2217T>G, p.Tyr739Ter (NM_001202435.3, NM_001353948.2); c.2184T>G, p.Tyr728Ter (NM_001353949.2, NM_001353950.2, NM_001353951.2 and 2 more transcripts); c.2181T>G, p.Tyr727Ter (NM_001353954.2, NM_001353955.2); c.2130T>G, p.Tyr710Ter (NM_001353960.2); c.-242T>G (NM_001353961.2); short protein forms Y710*, Y711*, Y727*, Y728*, Y739*.
Identifiers: ClinVar variation 1076935 (VCV001076935.8), dbSNP rs2105829215, ClinGen allele CA349065127.